The following is an entry in ClinVar:

ClinVar aggregate classification (germline): Likely pathogenic (1 of 4 stars; one submission).

Conditions:
Severe myoclonic epilepsy in infancy (DRVT). Also called: Dravet syndrome; Epileptic encephalopathy, early infantile, 6 (Dravet syndrome); SEVERE MYOCLONIC EPILEPSY OF INFANCY; DEVELOPMENTAL AND EPILEPTIC ENCEPHALOPATHY 6A; Severe Myoclonic Epilepsy in Infancy (SMEI). Identifiers: Orphanet 33069, MedGen C0751122, MONDO:0100135, OMIM 607208.

Submission:

Suma Genomics
Classification: Likely pathogenic for Severe myoclonic epilepsy in infancy. Review status: criteria provided, single submitter. Criteria: ACMG Guidelines, 2015. Collection method: clinical testing. Allele origin: de novo. Inheritance: Autosomal dominant inheritance. Affected: yes. Observed: 1 heterozygote.
Comment: A novel sequence variant c.472_473+2del (g.166056409_166056412del) is observed in intron 6 of SCN1A in heterozygous state. This variant is not observed in parents and the gnomAD database. ACMG classification: Likely pathogenic Criteria met: PVS1: Null variant PM2_Supporting: This variant is not observed in the normal population database. PM6: denovo

NM_001165963.4(SCN1A):c.472_473+2del

Gene: SCN1A (sodium voltage-gated channel alpha subunit 1; minus strand). Cytogenetic location: 2q24.3.
Variant type: Deletion.
Coding change: c.472_473+2del on transcript NM_001165963.4 (MANE Select); coding-DNA position 472 through the canonical splice donor site of the intron after coding-DNA position 473, 4 bases deleted (GAGT; older notation c.472_473+2delGAGT).
Molecular consequence: splice donor variant.
Genome position (GRCh38, 1-based): chr2:166,056,409-166,056,412, ACTC deleted on the plus strand (GAGT on the coding strand, the reverse complement: SCN1A is on the minus strand). VCF-style (leftmost placement, unchanged base first): chr2-166056408-TACTC-T. GRCh37 (hg19) VCF-style: chr2-166912918-TACTC-T.
Other names: c.472_473+2del (NM_001353950.2, NM_001353949.2, NM_001353958.2 and 10 more transcripts); c.-1954_-1953+2del (NM_001353961.2).
Identifiers: ClinVar variation 3777040 (VCV003777040.1).